The following is an entry in ClinVar:

ClinVar aggregate classification (germline): Pathogenic (1 of 4 stars; one submission).

Conditions:
Developmental and epileptic encephalopathy 94 (DEE94). Also called: CHD2-Related Neurodevelopmental Disorders; Epileptic encephalopathy, childhood-onset. Identifiers: Orphanet 1942, Orphanet 2382, MedGen C3809278, MONDO:0014150, OMIM 615369.

Submission:

Labcorp Genetics (formerly Invitae), Labcorp
Classification: Pathogenic for Developmental and epileptic encephalopathy 94. Last evaluated: 2025-03-19. Review status: criteria provided, single submitter. Criteria: Invitae Variant Classification Sherloc (09022015). Collection method: clinical testing. Allele origin: germline.
Comment: This sequence change creates a premature translational stop signal (p.Lys90Asnfs*3) in the CHD2 gene. It is expected to result in an absent or disrupted protein product. Loss-of-function variants in CHD2 are known to be pathogenic (PMID: 23708187, 24207121). This variant is not present in population databases (gnomAD no frequency). This variant has not been reported in the literature in individuals affected with CHD2-related conditions. For these reasons, this variant has been classified as Pathogenic.

Literature cited by the submitters: PubMed 23708187; PubMed 24207121.

NM_001271.4(CHD2):c.270_273del (p.Lys90fs)

Gene: CHD2 (chromodomain helicase DNA binding protein 2; plus strand). Cytogenetic location: 15q26.1.
Variant type: Deletion.
Coding change: c.270_273del on transcript NM_001271.4 (MANE Select); coding-DNA positions 270 to 273, 4 bases deleted (GGAA; older notation c.270_273delGGAA).
Protein change: p.Lys90fs; shifts the reading frame from lysine 90.
Molecular consequence: frameshift variant.
Genome position (GRCh38, 1-based): chr15:92,924,528-92,924,531, GGAA deleted; deleting any 4 consecutive bases within chr15:92,924,525-92,924,531 gives the same sequence; the c. name uses the placement nearest the transcript's 3' end. VCF-style (leftmost placement, unchanged base first): chr15-92924524-AGAAG-A. GRCh37 (hg19) VCF-style: chr15-93467754-AGAAG-A.
Other names: c.270_273del, p.Lys90fs (NM_001042572.3); short protein forms K90fs.
Identifiers: ClinVar variation 4715455 (VCV004715455.1).
Genomic context (GRCh38, chr15:92,924,524, plus strand): 5'-AATCAGCAGGTTCCAAATCCCAGCCAGTCCTCCCAGAAGCCAAAGAGAAGCCAGCCTCTA[AGAAG>A]GAACGGATAGCTGATGTGAAGAAGGTATCTACTTTGCCCTGCAGTACAAATGTGCTGCTA-3'